The following is an entry in ClinVar:

NM_001166108.2(PALLD):c.1504G>A (p.Glu502Lys)

Gene: PALLD (palladin, cytoskeletal associated protein; plus strand). Cytogenetic location: 4q32.3.
Variant type: single nucleotide variant.
Coding change: c.1504G>A on transcript NM_001166108.2 (MANE Select); coding-DNA position 1504, G replaced by A.
Protein change: p.Glu502Lys; replaces glutamic acid 502 with lysine.
Molecular consequence: missense variant.
Genome position (GRCh38, 1-based): chr4:168,709,030, G>A. VCF-style: chr4-168709030-G-A. GRCh37 (hg19) VCF-style: chr4-169630181-G-A.
Other names: c.358G>A, p.Glu120Lys (NM_001166109.2); c.1504G>A, p.Glu502Lys (NM_016081.4); short protein forms E120K, E502K.
Identifiers: ClinVar variation 2448472 (VCV002448472.2), dbSNP rs765742926, ClinGen allele CA3135666.

ClinVar aggregate classification (germline): Uncertain significance (1 of 4 stars; one submission).

Allele frequency attached by ClinVar (database versions not stated): ExAC 0.00001.
gnomAD v4.1: 1 of 1,613,640 alleles (0.000062%); highest among the groups gnomAD compares: Admixed American, 0.0017%; no homozygotes.

Submission:

Ambry Genetics
Classification: Uncertain significance. Last evaluated: 2023-01-05. Review status: criteria provided, single submitter. Criteria: Ambry Variant Classification Scheme 2023. Collection method: clinical testing. Allele origin: germline.
Comment: The p.E502K variant (also known as c.1504G>A), located in coding exon 8 of the PALLD gene, results from a G to A substitution at nucleotide position 1504. The glutamic acid at codon 502 is replaced by lysine, an amino acid with similar properties. This amino acid position is conserved. In addition, the in silico prediction for this alteration is inconclusive. Since supporting evidence is limited at this time, the clinical significance of this alteration remains unclear.